The following is an entry in ClinVar:

NM_201384.3(PLEC):c.5082G>A (p.Leu1694=)

Gene: PLEC (plectin; minus strand). Cytogenetic location: 8q24.3.
Variant type: single nucleotide variant.
Coding change: c.5082G>A on transcript NM_201384.3 (MANE Select); coding-DNA position 5082, G replaced by A.
Protein change: p.Leu1694=; no amino-acid change (leucine 1694 retained).
Molecular consequence: synonymous variant.
Genome position (GRCh38, 1-based): chr8:143,924,847, C>T on the plus strand (G>A on the coding strand, the complement: PLEC is on the minus strand). VCF-style: chr8-143924847-C-T. GRCh37 (hg19) VCF-style: chr8-144999015-C-T.
Other names: c.5163G>A, p.Leu1721= (NM_000445.5); c.5040G>A, p.Leu1680= (NM_201378.4); c.5016G>A, p.Leu1672= (NM_201379.3); c.5493G>A, p.Leu1831= (NM_201380.4); c.4986G>A, p.Leu1662= (NM_201381.3); c.5082G>A, p.Leu1694= (NM_201382.4); c.5094G>A, p.Leu1698= (NM_201383.3).
Identifiers: ClinVar variation 93058 (VCV000093058.25), dbSNP rs182961574, ClinGen allele CA220901.

ClinVar aggregate classification (germline): Benign/Likely benign. Review status: criteria provided, multiple submitters, no conflicts (2 of 4 stars). 8 submissions from 8 submitters: Benign (4); Likely benign (4). Last evaluated 2026-05-27.

Conditions:
Epidermolysis bullosa simplex, Ogna type (EBS5A). Also called: Pidermolysis bullosa simplex 5A, Ogna type; EPIDERMOLYSIS BULLOSA SIMPLEX 5A, OGNA TYPE. Identifiers: Orphanet 79401, MedGen C0432317, MONDO:0007555, OMIM 131950.
Epidermolysis bullosa simplex with nail dystrophy (EBS5D). Identifiers: MedGen C4225309, MONDO:0014661, OMIM 616487.
Epidermolysis bullosa simplex 5C, with pyloric atresia (EBS5C). Also called: PLEC1-Related Epidermolysis Bullosa with Pyloric Atresia; PLEC-Related Epidermolysis Bullosa with Pyloric Atresia; Epidermolysis bullosa simplex with pyloric atresia. Identifiers: Orphanet 158684, MedGen C2677349, MONDO:0012807, OMIM 612138.
Epidermolysis bullosa simplex 5B, with muscular dystrophy (EBS5B). Also called: EPIDERMOLYSIS BULLOSA SIMPLEX AND LIMB-GIRDLE MUSCULAR DYSTROPHY; Epidermolysis bullosa simplex with muscular dystrophy. Identifiers: Orphanet 257, MedGen C2931072, MONDO:0009181, OMIM 226670.
Autosomal recessive limb-girdle muscular dystrophy type 2Q (LGMDR17). Also called: MUSCULAR DYSTROPHY, LIMB-GIRDLE, AUTOSOMAL RECESSIVE 17. Identifiers: Orphanet 254361, MedGen C3150989, MONDO:0013390, OMIM 613723.
PLEC-related disorder. Also called: PLEC-related disorders; PLEC-related condition.

Allele frequency attached by ClinVar (database versions not stated): 1000 Genomes Project 30x 0.00312; 1000 Genomes Project 0.00319; TOPMed 0.00340.
gnomAD v4.1: 842 of 1,585,462 alleles (0.053%); highest among the groups gnomAD compares: African/African-American, 1%; 7 homozygotes.

Submissions (8):

PreventionGenetics, part of Exact Sciences
Classification: Benign for PLEC-related condition. Last evaluated: 2026-05-27. Review status: criteria provided, single submitter. Criteria: ACMG Guidelines, 2015. Collection method: clinical testing. Allele origin: germline.
Comment: This variant is classified as benign based on ACMG/AMP sequence variant interpretation guidelines (Richards et al. 2015 PMID: 25741868, with internal and published modifications).

Labcorp Genetics (formerly Invitae), Labcorp
Classification: Benign for Autosomal recessive limb-girdle muscular dystrophy type 2Q; Epidermolysis bullosa simplex, Ogna type; Epidermolysis bullosa simplex with nail dystrophy; Epidermolysis bullosa simplex 5C, with pyloric atresia; Epidermolysis bullosa simplex 5B, with muscular dystrophy. Last evaluated: 2026-01-27. Review status: criteria provided, single submitter. Criteria: Invitae Variant Classification Sherloc (09022015). Collection method: clinical testing. Allele origin: germline.

CeGaT Center for Human Genetics Tuebingen
Classification: Likely benign. Last evaluated: 2025-12-01. Review status: criteria provided, single submitter. Criteria: CeGaT Center For Human Genetics Tuebingen Variant Classification Criteria Version 2. Collection method: clinical testing. Allele origin: germline. Affected: yes. Observed: 1 variant allele.
Comment: PLEC: BP4, BP7, BS1

Blueprint Genetics
Classification: Likely benign. Last evaluated: 2024-09-13. Review status: criteria provided, single submitter. Criteria: ACMG Guidelines, 2015. Collection method: clinical testing. Allele origin: germline.

GeneDx
Classification: Likely benign. Last evaluated: 2021-05-26. Review status: criteria provided, single submitter. Criteria: GeneDx Variant Classification Process June 2021. Collection method: clinical testing. Allele origin: germline. Affected: yes.

Athena Diagnostics
Classification: Benign. Last evaluated: 2020-02-17. Review status: criteria provided, single submitter. Criteria: Athena Diagnostics Criteria. Collection method: clinical testing. Allele origin: unknown.

Eurofins Ntd Llc (ga)
Classification: Benign. Last evaluated: 2016-06-28. Review status: criteria provided, single submitter. Criteria: EGL Classification Definitions 2015. Collection method: clinical testing. Allele origin: germline. Observed: 6 variant alleles, 6 heterozygotes.

Breakthrough Genomics
Classification: Likely benign. Review status: criteria provided, single submitter. Criteria: ACMG Guidelines, 2015. Collection method: not provided. Allele origin: germline. Inheritance: Autosomal recessive inheritance. Affected: yes.